The following is an entry in ClinVar:

ClinVar aggregate classification (germline): Uncertain significance (1 of 4 stars; one submission).

Conditions:
Cardiovascular phenotype. Identifiers: MedGen CN230736.

Submission:

Ambry Genetics
Classification: Uncertain significance for Cardiovascular phenotype. Last evaluated: 2024-11-10. Review status: criteria provided, single submitter. Criteria: Ambry Variant Classification Scheme 2023. Collection method: clinical testing. Allele origin: germline.
Comment: The p.W495C variant (also known as c.1485G>T), located in coding exon 7 of the JUP gene, results from a G to T substitution at nucleotide position 1485. The tryptophan at codon 495 is replaced by cysteine, an amino acid with highly dissimilar properties. This amino acid position is conserved. In addition, the in silico prediction for this alteration is inconclusive. Based on the available evidence, the clinical significance of this variant remains unclear.

NM_002230.4(JUP):c.1485G>T (p.Trp495Cys)

Gene: JUP (junction plakoglobin; minus strand). Cytogenetic location: 17q21.2.
Variant type: single nucleotide variant.
Coding change: c.1485G>T on transcript NM_002230.4 (MANE Select); coding-DNA position 1485, G replaced by T.
Protein change: p.Trp495Cys; replaces tryptophan 495 with cysteine.
Molecular consequence: missense variant.
Genome position (GRCh38, 1-based): chr17:41,762,995, C>A on the plus strand (G>T on the coding strand, the complement: JUP is on the minus strand). VCF-style: chr17-41762995-C-A. GRCh37 (hg19) VCF-style: chr17-39919247-C-A.
Other names: c.1485G>T, p.Trp495Cys (NM_001352773.2, NM_001352774.2, NM_001352775.2 and 3 more transcripts); short protein forms W495C.
Identifiers: ClinVar variation 3531654 (VCV003531654.1).